The following is an entry in ClinVar:

ClinVar aggregate classification (germline): Benign (1 of 4 stars; one submission).

Conditions:
Immunodeficiency 67. Also called: Immunodeficiency due to interleukin-1 receptor-associated kinase-4 deficiency. Identifiers: Orphanet 70592, MedGen C1843256, MONDO:0011888, OMIM 607676.

Allele frequency attached by ClinVar (database versions not stated): gnomAD 0.00488 and 0.00517; TOPMed 0.00524; 1000 Genomes Project 0.00779; 1000 Genomes Project 30x 0.00843.

Submission:

Illumina Laboratory Services, Illumina
Classification: Benign for Immunodeficiency 67. Last evaluated: 2018-01-13. Review status: criteria provided, single submitter. Criteria: ICSL Variant Classification Criteria 13 December 2019. Collection method: clinical testing. Allele origin: germline.
Comment: This variant was observed in the ICSL laboratory as part of a predisposition screen in an ostensibly healthy population. It had not been previously curated by ICSL or reported in the Human Gene Mutation Database (HGMD: prior to June 1st, 2018), and was therefore a candidate for classification through an automated scoring system. Utilizing variant allele frequency, disease prevalence and penetrance estimates, and inheritance mode, an automated score was calculated to assess if this variant is too frequent to cause the disease. Based on the score and internal cut-off values, a variant classified as benign is not then subjected to further curation. The score for this variant resulted in a classification of benign for this disease.

NM_016123.4(IRAK4):c.*1272G>T

Gene: IRAK4 (interleukin 1 receptor associated kinase 4; plus strand). Cytogenetic location: 12q12.
Variant type: single nucleotide variant.
Coding change: c.*1272G>T on transcript NM_016123.4 (MANE Select); 1272 bases downstream of the stop codon, G replaced by T.
Molecular consequence: 3 prime UTR variant.
Genome position (GRCh38, 1-based): chr12:43,787,987, G>T. VCF-style: chr12-43787987-G-T. GRCh37 (hg19) VCF-style: chr12-44181790-G-T.
Other names: c.*1272G>T (NM_001114182.3, NM_001145256.2, NM_001145257.2 and 9 more transcripts).
Identifiers: ClinVar variation 308747 (VCV000308747.5), dbSNP rs182497864, ClinGen allele CA10642241.
Genomic context (GRCh38, chr12:43,787,987, plus strand): 5'-GACACCTGTAGTCCCAGCTACTTGGGAGGCTGAGGCAGGAGACTAGCTGGAACCAGGGAG[G>T]TAGAGGTTGCAGTGAGCTGAGATCGTGCCACTGCACTCCAGCCTGGGTGACAGAGTGAGA-3'